The following is an entry in ClinVar:

NM_001040716.2(PC):c.2638del (p.Ser880fs)

Gene: PC (pyruvate carboxylase; minus strand). Cytogenetic location: 11q13.2.
Variant type: Deletion.
Coding change: c.2638del on transcript NM_001040716.2 (MANE Select); coding-DNA position 2638, one base deleted (A; older notation c.2638delA).
Protein change: p.Ser880fs; shifts the reading frame from serine 880.
Molecular consequence: frameshift variant.
Genome position (GRCh38, 1-based): chr11:66,850,300, T deleted on the plus strand (A on the coding strand, the reverse complement: PC is on the minus strand). VCF-style (leftmost placement, unchanged base first): chr11-66850299-CT-C. GRCh37 (hg19) VCF-style: chr11-66617770-CT-C.
Other names: c.2638del, p.Ser880fs (NM_000920.4, NM_001439352.1, NM_001439353.1 and 5 more transcripts); short protein forms S880fs.
Identifiers: ClinVar variation 5014063 (VCV005014063.1).

ClinVar aggregate classification (germline): Pathogenic (1 of 4 stars; one submission).

Conditions:
Pyruvate carboxylase deficiency. Also called: ATAXIA WITH LACTIC ACIDOSIS II; LEIGH NECROTIZING ENCEPHALOPATHY DUE TO PYRUVATE CARBOXYLASE DEFICIENCY; LEIGH SYNDROME DUE TO PYRUVATE CARBOXYLASE DEFICIENCY; PC DEFICIENCY; Pyruvate Carboxylase Deficiency Disease. Identifiers: Orphanet 3008, MedGen C0034341, MONDO:0009949, OMIM 266150.

Submission:

Myriad Genetics, Inc.
Classification: Pathogenic for Pyruvate carboxylase deficiency. Last evaluated: 2025-02-06. Review status: criteria provided, single submitter. Criteria: Myriad Autosomal Dominant, Autosomal Recessive and X-Linked Classification Criteria (2023). Collection method: clinical testing. Allele origin: unknown.
Comment: NM_000920.3(PC):c.2638delA(S880Afs*28) is expected to be pathogenic in the context of pyruvate carboxylase deficiency. This variant is predicted to lead to an abnormal or absent protein product due to the creation of a premature termination codon in PC, a gene where loss-of-function variants are known to be pathogenic. Please note: this variant was assessed in the context of healthy population screening.